The following is an entry in ClinVar:

ClinVar aggregate classification (germline): Uncertain significance (1 of 4 stars; one submission).

gnomAD v4.1: 1 of 1,613,992 alleles (0.000062%); highest among the groups gnomAD compares: Non-Finnish European, 0.000085%; no homozygotes.

Submission:

Ambry Genetics
Classification: Uncertain significance. Last evaluated: 2024-05-24. Review status: criteria provided, single submitter. Criteria: Ambry Variant Classification Scheme 2023. Collection method: clinical testing. Allele origin: germline.
Comment: The p.L388F variant (also known as c.1162C>T), located in coding exon 12 of the PRKDC gene, results from a C to T substitution at nucleotide position 1162. The leucine at codon 388 is replaced by phenylalanine, an amino acid with highly similar properties. This amino acid position is conserved. In addition, the in silico prediction for this alteration is inconclusive. Based on the available evidence, the clinical significance of this variant remains unclear.

NM_006904.7(PRKDC):c.1162C>T (p.Leu388Phe)

Gene: PRKDC (protein kinase, DNA-activated, catalytic subunit; minus strand). Cytogenetic location: 8q11.21.
Variant type: single nucleotide variant.
Coding change: c.1162C>T on transcript NM_006904.7 (MANE Select); coding-DNA position 1162, C replaced by T.
Protein change: p.Leu388Phe; replaces leucine 388 with phenylalanine.
Molecular consequence: missense variant.
Genome position (GRCh38, 1-based): chr8:47,936,469, G>A on the plus strand (C>T on the coding strand, the complement: PRKDC is on the minus strand). VCF-style: chr8-47936469-G-A. GRCh37 (hg19) VCF-style: chr8-48849029-G-A.
Other names: c.1162C>T, p.Leu388Phe (NM_001081640.2); short protein forms L388F.
Identifiers: ClinVar variation 3310158 (VCV003310158.1).
Genomic context (GRCh38, chr8:47,936,469, plus strand): 5'-AAACACGGTCGTCACCAGTGTCTGTCTGGGTGAGGAACATCTGCTTGCAGCGCTGAATGA[G>A]CTCAACGTACATGAAGTCAACATCTTTTGCGTTTATAACCTTGCACGGCTTTAGAAAAGG-3'
Protein context (NP_008835.5, residues 378-398): AKDVDFMYVE[Leu388Phe]IQRCKQMFLT